The following is an entry in ClinVar:

NM_004725.4(BUB3):c.118C>G (p.Arg40Gly)

Genes: BUB3 (BUB3 mitotic checkpoint protein; plus strand), LOC130004885 (ATAC-STARR-seq lymphoblastoid active region 4151; plus strand). Cytogenetic location: 10q26.13.
Variant type: single nucleotide variant.
Coding change: c.118C>G on transcript NM_004725.4 (MANE Select); coding-DNA position 118, C replaced by G.
Protein change: p.Arg40Gly; replaces arginine 40 with glycine.
Molecular consequence: missense variant.
Genome position (GRCh38, 1-based): chr10:123,155,035, C>G. VCF-style: chr10-123155035-C-G. GRCh37 (hg19) VCF-style: chr10-124914551-C-G.
Other names: c.118C>G, p.Arg40Gly (NM_001007793.3); short protein forms R40G.
Identifiers: ClinVar variation 1744484 (VCV001744484.2), dbSNP rs1307593206, ClinGen allele CA378624977.

ClinVar aggregate classification (germline): Uncertain significance (1 of 4 stars; one submission).

Allele frequency attached by ClinVar (database versions not stated): gnomAD 0.00001; gnomAD exomes 0.00001.
gnomAD v4.1: 7 of 1,614,084 alleles (0.00043%); highest among the groups gnomAD compares: Non-Finnish European, 0.00059%; no homozygotes.

Submission:

Ambry Genetics
Classification: Uncertain significance. Last evaluated: 2022-09-19. Review status: criteria provided, single submitter. Criteria: Ambry Variant Classification Scheme 2023. Collection method: clinical testing. Allele origin: germline.
Comment: The p.R40G variant (also known as c.118C>G), located in coding exon 1 of the BUB3 gene, results from a C to G substitution at nucleotide position 118. The arginine at codon 40 is replaced by glycine, an amino acid with dissimilar properties. This amino acid position is conserved. In addition, this alteration is predicted to be deleterious by in silico analysis. Since supporting evidence is limited at this time, the clinical significance of this alteration remains unclear.